The following is an entry in ClinVar:

NM_000944.5(PPP3CA):c.*8C>T

Gene: PPP3CA (protein phosphatase 3 catalytic subunit alpha; minus strand). Cytogenetic location: 4q24.
Variant type: single nucleotide variant.
Coding change: c.*8C>T on transcript NM_000944.5 (MANE Select); 8 bases downstream of the stop codon, C replaced by T.
Molecular consequence: 3 prime UTR variant.
Genome position (GRCh38, 1-based): chr4:101,025,857, G>A on the plus strand (C>T on the coding strand, the complement: PPP3CA is on the minus strand). VCF-style: chr4-101025857-G-A. GRCh37 (hg19) VCF-style: chr4-101947014-G-A.
Other names: c.*8C>T (NM_001130691.2, NM_001130692.2).
Identifiers: ClinVar variation 3044125 (VCV003044125.3), dbSNP rs112303474, ClinGen allele CA3024213.

ClinVar aggregate classification (germline): Likely benign. Review status: criteria provided, single submitter (1 of 4 stars). 2 submissions from 2 submitters: Likely benign (1). 1 of the submissions does not count toward it. Last evaluated 2024-09-11.

Conditions:
PPP3CA-related disorder. Also called: PPP3CA-related disorders; PPP3CA-related condition.

Allele frequency attached by ClinVar (database versions not stated): gnomAD exomes 0.00067; ExAC 0.00216; gnomAD 0.00538; TOPMed 0.00648; ESP Exome Variant Server 0.00715; 1000 Genomes Project 0.00739.
gnomAD v4.1: 1,459 of 1,109,424 alleles (0.13%); highest among the groups gnomAD compares: African/African-American, 2%; 11 homozygotes.

Submissions (2):

Blueprint Genetics
Classification: Likely benign. Last evaluated: 2024-09-11. Review status: criteria provided, single submitter. Criteria: ACMG Guidelines, 2015. Collection method: clinical testing. Allele origin: germline.

PreventionGenetics, part of Exact Sciences
Classification: Benign for PPP3CA-related condition. Last evaluated: 2019-06-20. Review status: no assertion criteria provided. Collection method: clinical testing. Allele origin: germline. Not counted in ClinVar's aggregate classification.
Comment: This variant is classified as benign based on ACMG/AMP sequence variant interpretation guidelines (Richards et al. 2015 PMID: 25741868, with internal and published modifications).